The following is an entry in ClinVar:

NM_004438.5(EPHA4):c.661G>T (p.Ala221Ser)

Gene: EPHA4 (EPH receptor A4; minus strand). Cytogenetic location: 2q36.1.
Variant type: single nucleotide variant.
Coding change: c.661G>T on transcript NM_004438.5 (MANE Select); coding-DNA position 661, G replaced by T.
Protein change: p.Ala221Ser; replaces alanine 221 with serine.
Molecular consequence: missense variant.
Genome position (GRCh38, 1-based): chr2:221,563,893, C>A on the plus strand (G>T on the coding strand, the complement: EPHA4 is on the minus strand). VCF-style: chr2-221563893-C-A. GRCh37 (hg19) VCF-style: chr2-222428613-C-A.
Other names: c.661G>T, p.Ala221Ser (NM_001304536.2, NM_001363748.2); c.508G>T, p.Ala170Ser (NM_001304537.2); short protein forms A221S, A170S.
Identifiers: ClinVar variation 1514428 (VCV001514428.8), dbSNP rs1431649558, ClinGen allele CA350409747.

ClinVar aggregate classification (germline): Uncertain significance (1 of 4 stars; one submission).

Allele frequency attached by ClinVar (database versions not stated): gnomAD 0.00001; TOPMed 0.00001.
gnomAD v4.1: 2 of 1,614,104 alleles (0.00012%); highest among the groups gnomAD compares: Non-Finnish European, 0.00017%; no homozygotes.

Submission:

Labcorp Genetics (formerly Invitae), Labcorp
Classification: Uncertain significance. Last evaluated: 2022-08-01. Review status: criteria provided, single submitter. Criteria: Invitae Variant Classification Sherloc (09022015). Collection method: clinical testing. Allele origin: germline.
Comment: This sequence change replaces alanine, which is neutral and non-polar, with serine, which is neutral and polar, at codon 221 of the EPHA4 protein (p.Ala221Ser). This variant is not present in population databases (gnomAD no frequency). This variant has not been reported in the literature in individuals affected with EPHA4-related conditions. ClinVar contains an entry for this variant (Variation ID: 1514428). Algorithms developed to predict the effect of missense changes on protein structure and function (SIFT, PolyPhen-2, Align-GVGD) all suggest that this variant is likely to be tolerated. In summary, the available evidence is currently insufficient to determine the role of this variant in disease. Therefore, it has been classified as a Variant of Uncertain Significance.